The following is an entry in ClinVar:

NM_004973.4(JARID2):c.1428C>A (p.Ala476=)

Gene: JARID2 (jumonji and AT-rich interaction domain containing 2; plus strand). Cytogenetic location: 6p22.3.
Variant type: single nucleotide variant.
Coding change: c.1428C>A on transcript NM_004973.4 (MANE Select); coding-DNA position 1428, C replaced by A.
Protein change: p.Ala476=; no amino-acid change (alanine 476 retained).
Molecular consequence: synonymous variant.
Genome position (GRCh38, 1-based): chr6:15,496,653, C>A. VCF-style: chr6-15496653-C-A. GRCh37 (hg19) VCF-style: chr6-15496884-C-A.
Other names: c.912C>A, p.Ala304= (NM_001267040.1).
Identifiers: ClinVar variation 3898555 (VCV003898555.7).

ClinVar aggregate classification (germline): Likely benign (1 of 4 stars; one submission).

Submission:

CeGaT Center for Human Genetics Tuebingen
Classification: Likely benign. Last evaluated: 2025-04-01. Review status: criteria provided, single submitter. Criteria: CeGaT Center For Human Genetics Tuebingen Variant Classification Criteria Version 2. Collection method: clinical testing. Allele origin: germline. Affected: yes. Observed: 1 variant allele.
Comment: JARID2: PM2:Supporting, BP4, BP7